The following is an entry in ClinVar:

NM_001035.3(RYR2):c.4738C>G (p.Pro1580Ala)

Gene: RYR2 (ryanodine receptor 2; plus strand). Cytogenetic location: 1q43.
Variant type: single nucleotide variant.
Coding change: c.4738C>G on transcript NM_001035.3 (MANE Select); coding-DNA position 4738, C replaced by G.
Protein change: p.Pro1580Ala; replaces proline 1580 with alanine.
Molecular consequence: missense variant.
Genome position (GRCh38, 1-based): chr1:237,610,816, C>G. VCF-style: chr1-237610816-C-G. GRCh37 (hg19) VCF-style: chr1-237774116-C-G.
Other names: short protein forms P1580A.
Identifiers: ClinVar variation 3070764 (VCV003070764.1), dbSNP rs1677765906, ClinGen allele CA345402337.

ClinVar aggregate classification (germline): Uncertain significance (1 of 4 stars; one submission).

Conditions:
Catecholaminergic polymorphic ventricular tachycardia (CVPT). Also called: Catecholamine-induced polymorphic ventricular tachycardia. Identifiers: Orphanet 3286, MedGen C5574922, MONDO:0017990.

Submission:

All of Us Research Program, National Institutes of Health
Classification: Uncertain significance for Catecholaminergic polymorphic ventricular tachycardia. Last evaluated: 2023-05-04. Review status: criteria provided, single submitter. Criteria: ACMG Guidelines, 2015. Collection method: clinical testing. Allele origin: germline. Inheritance: Autosomal dominant inheritance. Observed: 1 variant allele, 1 heterozygote.
Comment: This missense variant replaces proline with alanine at codon 1580 of the RYR2 protein. Computational prediction suggests that this variant may not impact protein structure and function (internally defined REVEL score threshold <= 0.5, PMID: 27666373). To our knowledge, functional studies have not been reported for this variant. This variant has not been reported in individuals affected with cardiovascular disorders in the literature. This variant has not been identified in the general population by the Genome Aggregation Database (gnomAD). The available evidence is insufficient to determine the role of this variant in disease conclusively. Therefore, this variant is classified as a Variant of Uncertain Significance.

This study involves interpretation of variants in research participants for the purpose of population health screening. Participant phenotype was not available at the time of variant classification. Additional details can be found in publication PMID: 35346344, PMCID: PMC8962531